The following is an entry in ClinVar:

NC_000008.11:g.11494152C>A

Genes: BLK (BLK proto-oncogene, Src family tyrosine kinase), LOC126860302 (CDK7 strongly-dependent group 2 enhancer GRCh37_chr8:11351829-11353028). Cytogenetic location: 8p23.1.
Variant type: single nucleotide variant.
Genome position: GRCh38 VCF-style: chr8-11494152-C-A. GRCh37 (hg19) VCF-style: chr8-11351661-C-A.
Identifiers: ClinVar variation 361461 (VCV000361461.29), dbSNP rs142686759, ClinGen allele CA10629931.
Genomic context (GRCh38, chr8:11,494,152, plus strand): 5'-TGTAGAGTCAGCATGGAGGTTTGCTAACTCTGCCGGACTTGGTGCAGAAAAAATACCAGC[C>A]GTGCTGTTAAACCAAAACCCCAGGAGAAAACTTTCTGGTGACAGAAGGGCATTGTGACCC-3'

ClinVar aggregate classification (germline): Benign (1 of 4 stars; one submission).

Allele frequency attached by ClinVar (database versions not stated): 1000 Genomes Project 0.00120; 1000 Genomes Project 30x 0.00125; TOPMed 0.00358; gnomAD 0.00396 and 0.00409.

Submission:

CeGaT Center for Human Genetics Tuebingen
Classification: Benign. Last evaluated: 2023-06-01. Review status: criteria provided, single submitter. Criteria: CeGaT Center For Human Genetics Tuebingen Variant Classification Criteria Version 2. Collection method: clinical testing. Allele origin: germline. Affected: yes. Observed: 3 variant alleles.
Comment: BLK: BS1, BS2